The following is an entry in ClinVar:

ClinVar aggregate classification (germline): Uncertain significance. Review status: criteria provided, multiple submitters, no conflicts (2 of 4 stars). 2 submissions from 2 submitters: Uncertain significance (2). Last evaluated 2023-10-04.

Conditions:
Hereditary cancer-predisposing syndrome. Also called: Tumor predisposition; Neoplastic Syndromes, Hereditary; Hereditary neoplastic syndrome; Hereditary Cancer Syndrome. Identifiers: Orphanet 140162, MedGen C0027672, MeSH D009386, MONDO:0015356.
Oligodontia-cancer predisposition syndrome. Also called: TOOTH AGENESIS-COLORECTAL CANCER SYNDROME. Identifiers: Orphanet 300576, MedGen C1837750, MONDO:0012075, OMIM 608615. Disease mechanism: loss of function.

Submissions (2):

Labcorp Genetics (formerly Invitae), Labcorp
Classification: Uncertain significance for Oligodontia-cancer predisposition syndrome. Last evaluated: 2023-10-04. Review status: criteria provided, single submitter. Criteria: Invitae Variant Classification Sherloc (09022015). Collection method: clinical testing. Allele origin: germline.
Comment: This sequence change replaces tyrosine, which is neutral and polar, with aspartic acid, which is acidic and polar, at codon 804 of the AXIN2 protein (p.Tyr804Asp). This variant is not present in population databases (gnomAD no frequency). This variant has not been reported in the literature in individuals affected with AXIN2-related conditions. ClinVar contains an entry for this variant (Variation ID: 851456). Advanced modeling of protein sequence and biophysical properties (such as structural, functional, and spatial information, amino acid conservation, physicochemical variation, residue mobility, and thermodynamic stability) performed at Invitae indicates that this missense variant is expected to disrupt AXIN2 protein function. In summary, the available evidence is currently insufficient to determine the role of this variant in disease. Therefore, it has been classified as a Variant of Uncertain Significance.

Ambry Genetics
Classification: Uncertain significance for Hereditary cancer-predisposing syndrome. Last evaluated: 2022-10-27. Review status: criteria provided, single submitter. Criteria: Ambry Variant Classification Scheme 2023. Collection method: clinical testing. Allele origin: germline.
Comment: The p.Y804D variant (also known as c.2410T>G), located in coding exon 10 of the AXIN2 gene, results from a T to G substitution at nucleotide position 2410. The tyrosine at codon 804 is replaced by aspartic acid, an amino acid with highly dissimilar properties. This amino acid position is conserved. In addition, this alteration is predicted to be deleterious by in silico analysis. Since supporting evidence is limited at this time, the clinical significance of this alteration remains unclear.

NM_004655.4(AXIN2):c.2410T>G (p.Tyr804Asp)

Gene: AXIN2 (axin 2; minus strand). Cytogenetic location: 17q24.1.
Variant type: single nucleotide variant.
Coding change: c.2410T>G on transcript NM_004655.4 (MANE Select); coding-DNA position 2410, T replaced by G.
Protein change: p.Tyr804Asp; replaces tyrosine 804 with aspartic acid.
Molecular consequence: missense variant.
Genome position (GRCh38, 1-based): chr17:65,530,098, A>C on the plus strand (T>G on the coding strand, the complement: AXIN2 is on the minus strand). VCF-style: chr17-65530098-A-C. GRCh37 (hg19) VCF-style: chr17-63526216-A-C.
Other names: c.2215T>G, p.Tyr739Asp (NM_001363813.1); short protein forms Y739D, Y804D.
Identifiers: ClinVar variation 851456 (VCV000851456.12), dbSNP rs2043791618, ClinGen allele CA400674978.